The following is an entry in ClinVar:

NM_002579.3(PALM):c.1085C>T (p.Ala362Val)

Gene: PALM (paralemmin; plus strand). Cytogenetic location: 19p13.3.
Variant type: single nucleotide variant.
Coding change: c.1085C>T on transcript NM_002579.3 (MANE Select); coding-DNA position 1085, C replaced by T.
Protein change: p.Ala362Val; replaces alanine 362 with valine.
Molecular consequence: missense variant.
Genome position (GRCh38, 1-based): chr19:746,735, C>T. VCF-style: chr19-746735-C-T. GRCh37 (hg19) VCF-style: chr19-746735-C-T.
Other names: c.953C>T, p.Ala318Val (NM_001040134.2); short protein forms A362V, A318V.
Identifiers: ClinVar variation 1355752 (VCV001355752.8), dbSNP rs202021174, ClinGen allele CA9022870.
Genomic context (GRCh38, chr19:746,735, plus strand): 5'-CACCCAACGGCAGTGCTGCCGAGCCTCCCACGGAGGCCGCCTCCAGGGAAGAGAATCAGG[C>T]GGGGCCCGAGGCCACCACCAGCGACCCCCAGGACCTCGACATGAAGAAGCACCGTTGTAA-3'
Protein context (NP_002570.2, residues 352-372): TEAASREENQ[Ala362Val]GPEATTSDPQ

ClinVar aggregate classification (germline): Uncertain significance (1 of 4 stars; one submission).

Allele frequency attached by ClinVar (database versions not stated): TOPMed 0.00001; ExAC 0.00002; gnomAD 0.00002 and 0.00003; gnomAD exomes 0.00005; 1000 Genomes Project 30x 0.00016; 1000 Genomes Project 0.00020.
gnomAD v4.1: 69 of 1,602,302 alleles (0.0043%); highest among the groups gnomAD compares: East Asian, 0.097%; no homozygotes.

Submission:

Labcorp Genetics (formerly Invitae), Labcorp
Classification: Uncertain significance. Last evaluated: 2023-03-12. Review status: criteria provided, single submitter. Criteria: Invitae Variant Classification Sherloc (09022015). Collection method: clinical testing. Allele origin: germline.
Comment: In summary, the available evidence is currently insufficient to determine the role of this variant in disease. Therefore, it has been classified as a Variant of Uncertain Significance. Algorithms developed to predict the effect of missense changes on protein structure and function output the following: SIFT: "Not Available"; PolyPhen-2: "Benign"; Align-GVGD: "Not Available". The valine amino acid residue is found in multiple mammalian species, which suggests that this missense change does not adversely affect protein function. ClinVar contains an entry for this variant (Variation ID: 1355752). This variant has not been reported in the literature in individuals affected with PALM-related conditions. The frequency data for this variant in the population databases is considered unreliable, as metrics indicate poor data quality at this position in the gnomAD database. This sequence change replaces alanine, which is neutral and non-polar, with valine, which is neutral and non-polar, at codon 362 of the PALM protein (p.Ala362Val).